The following is an entry in ClinVar:

ClinVar aggregate classification (germline): Pathogenic (1 of 4 stars; one submission).

Conditions:
Hereditary cancer-predisposing syndrome. Also called: Hereditary Cancer Syndrome; Neoplastic Syndromes, Hereditary; Hereditary neoplastic syndrome; Tumor predisposition. Identifiers: Orphanet 140162, MedGen C0027672, MeSH D009386, MONDO:0015356.

Submission:

Ambry Genetics
Classification: Pathogenic for Hereditary cancer-predisposing syndrome. Last evaluated: 2013-06-20. Review status: criteria provided, single submitter. Criteria: Ambry Autosomal Dominant and X-Linked criteria (10/2015). Collection method: clinical testing. Allele origin: germline. Observed: 1 variant allele.
Comment: This alteration occurs at the 3' terminus of theâ€¯APC gene and is not expected to trigger nonsense-mediated mRNA decay. However, premature stop codons are typically deleterious in nature, the impacted region is critical for protein function, and a significant portion of the protein is affected (Ambry internal data). Based on the supporting evidence, this alteration is interpreted as a disease-causing mutation.

NM_000038.6(APC):c.2036dup (p.Asn679fs)

Gene: APC (APC regulator of Wnt signaling pathway; plus strand). Cytogenetic location: 5q22.2.
Variant type: Duplication.
Coding change: c.2036dup on transcript NM_000038.6 (MANE Select); coding-DNA position 2036, one base duplicated (A; older notation c.2036dupA).
Protein change: p.Asn679fs; shifts the reading frame from asparagine 679.
Molecular consequence: frameshift variant.
Genome position (GRCh38, 1-based): chr5:112,837,630, A duplicated; the last of 2 consecutive A bases (chr5:112,837,629-112,837,630); duplicating either gives the same sequence. VCF-style (leftmost placement, unchanged base first): chr5-112837628-T-TA. GRCh37 (hg19) VCF-style: chr5-112173325-T-TA.
Other names: c.2036dup, p.Asn679fs (NM_001127510.3, NM_001354895.2); c.1982dup, p.Asn661fs (NM_001127511.3); c.2090dup, p.Asn697fs (NM_001354896.2); c.2066dup, p.Asn689fs (NM_001354897.2); c.1961dup, p.Asn654fs (NM_001354898.2); c.1952dup, p.Asn651fs (NM_001354899.2); c.1913dup, p.Asn638fs (NM_001354900.2); c.1859dup, p.Asn620fs (NM_001354901.2); and 6 more; short protein forms N588fs, N620fs, N697fs, N578fs, N638fs, N689fs, N396fs, N519fs.
Identifiers: ClinVar variation 429053 (VCV000429053.3), dbSNP rs1131691140, ClinGen allele CA645369357.